The following is an entry in ClinVar:

ClinVar aggregate classification (germline): Conflicting classifications of pathogenicity. Review status: criteria provided, conflicting classifications (1 of 4 stars). 3 submissions from 3 submitters: Uncertain significance (2); Likely benign (1). Last evaluated 2025-08-11.

Conditions:
Pitt-Hopkins-like syndrome 2 (PTHSL2). Identifiers: Orphanet 221150, Orphanet 600663, MedGen C3280479, MONDO:0013690, OMIM 614325.

Allele frequency attached by ClinVar (database versions not stated): gnomAD 0.00001; ExAC 0.00002; gnomAD exomes 0.00002 and 0.00004; TOPMed 0.00002.
gnomAD v4.1: 52 of 1,606,640 alleles (0.0032%); highest among the groups gnomAD compares: Middle Eastern, 0.033%; no homozygotes.

Submissions (3):

Labcorp Genetics (formerly Invitae), Labcorp
Classification: Uncertain significance for Pitt-Hopkins-like syndrome 2. Last evaluated: 2025-08-11. Review status: criteria provided, single submitter. Criteria: Invitae Variant Classification Sherloc (09022015). Collection method: clinical testing. Allele origin: germline.
Comment: This sequence change falls in intron 18 of the NRXN1 gene. It does not directly change the encoded amino acid sequence of the NRXN1 protein. It affects a nucleotide within the consensus splice site. This variant is present in population databases (rs762891600, gnomAD 0.005%). This variant has not been reported in the literature in individuals affected with NRXN1-related conditions. ClinVar contains an entry for this variant (Variation ID: 194822). Variants that disrupt the consensus splice site are a relatively common cause of aberrant splicing (PMID: 17576681, 9536098). Algorithms developed to predict the effect of sequence changes on RNA splicing suggest that this variant is not likely to affect RNA splicing. In summary, the available evidence is currently insufficient to determine the role of this variant in disease. Therefore, it has been classified as a Variant of Uncertain Significance.

GeneDx
Classification: Likely benign. Last evaluated: 2020-02-27. Review status: criteria provided, single submitter. Criteria: GeneDx Variant Classification Process June 2021. Collection method: clinical testing. Allele origin: germline. Affected: yes.

Eurofins Ntd Llc (ga)
Classification: Uncertain significance. Last evaluated: 2014-11-04. Review status: criteria provided, single submitter. Criteria: EGL Classification Definitions 2015. Collection method: clinical testing. Allele origin: germline. Observed: 1 variant allele, 1 heterozygote.

Literature cited by the submitters: PubMed 17576681 (cited by Labcorp Genetics (formerly Invitae), Labcorp); PubMed 9536098 (cited by Labcorp Genetics (formerly Invitae), Labcorp).

NM_001330078.2(NRXN1):c.3364+3A>G

Gene: NRXN1 (neurexin 1; minus strand). Cytogenetic location: 2p16.3.
Variant type: single nucleotide variant.
Coding change: c.3364+3A>G on transcript NM_001330078.2 (MANE Select); 3 bases into the intron after coding-DNA position 3364, A replaced by G.
Molecular consequence: intron variant.
Genome position (GRCh38, 1-based): chr2:50,465,439, T>C on the plus strand (A>G on the coding strand, the complement: NRXN1 is on the minus strand). VCF-style: chr2-50465439-T-C. GRCh37 (hg19) VCF-style: chr2-50692577-T-C.
Other names: c.3253+3A>G (NM_001330096.2, NM_001330087.2); c.3298+3A>G (NM_001330083.2, NM_001330084.2); c.3283+3A>G (NM_001330088.2); c.3361+3A>G (NM_001330093.2); c.3352+3A>G (NM_001330094.2); c.3313+3A>G (NM_001330095.2); c.3340+3A>G (NM_001330082.2, NM_001330077.2); c.3337+3A>G (NM_001330085.2); and 2 more.
Identifiers: ClinVar variation 194822 (VCV000194822.13), dbSNP rs762891600, ClinGen allele CA241008.
Genomic context (GRCh38, chr2:50,465,439, plus strand): 5'-TAGATATCAAACAGTAACTGGAAGCAACGATGAGTATCAGTCCATACTCAGAGAGGTACT[T>C]ACGGTCATTGCAGAGTGGTCCACTGAAGGAAGTCATACTACAGTCACAGCTGAAGCCATC-3'